The following is an entry in ClinVar:

NC_000004.11:g.(?_1219128)_(1232145_?)del

Gene: CTBP1 (C-terminal binding protein 1; minus strand). Cytogenetic location: 4p16.3.
Variant type: Deletion.
Identifiers: ClinVar variation 2424129 (VCV002424129.4).

ClinVar aggregate classification (germline): Uncertain significance (1 of 4 stars; one submission).

Submission:

Labcorp Genetics (formerly Invitae), Labcorp
Classification: Uncertain significance. Last evaluated: 2022-04-24. Review status: criteria provided, single submitter. Criteria: Invitae Variant Classification Sherloc (09022015). Collection method: clinical testing. Allele origin: germline.
Comment: This variant is a gross deletion of the genomic region encompassing exon(s) 2-4 of the CTBP1 gene. This variant would be expected to be in-frame, preserving the integrity of the reading frame. This variant has not been reported in the literature in individuals affected with CTBP1-related conditions. Experimental studies and prediction algorithms are not available or were not evaluated, and the functional significance of this variant is currently unknown. In summary, the available evidence is currently insufficient to determine the role of this variant in disease. Therefore, it has been classified as a Variant of Uncertain Significance.